The following is an entry in ClinVar:

NM_001378974.1(FBXW11):c.1150C>T (p.Arg384Trp)

Gene: FBXW11 (F-box and WD repeat domain containing 11; minus strand). Cytogenetic location: 5q35.1.
Variant type: single nucleotide variant.
Coding change: c.1150C>T on transcript NM_001378974.1 (MANE Select); coding-DNA position 1150, C replaced by T.
Protein change: p.Arg384Trp; replaces arginine 384 with tryptophan.
Molecular consequence: missense variant.
Genome position (GRCh38, 1-based): chr5:171,876,356, G>A on the plus strand (C>T on the coding strand, the complement: FBXW11 is on the minus strand). VCF-style: chr5-171876356-G-A. GRCh37 (hg19) VCF-style: chr5-171303360-G-A.
Other names: c.1081C>T, p.Arg361Trp (NM_001378975.1); c.1054C>T, p.Arg352Trp (NM_001378976.1); c.991C>T, p.Arg331Trp (NM_001378977.1, NM_001378978.1, NM_001378979.1); c.985C>T, p.Arg329Trp (NM_001378980.1, NM_033645.3); c.1087C>T, p.Arg363Trp (NM_012300.3); c.1048C>T, p.Arg350Trp (NM_033644.3); short protein forms R363W, R329W, R331W, R350W, R352W, R361W, R384W.
Identifiers: ClinVar variation 917896 (VCV000917896.5), dbSNP rs1758081729, ClinGen allele CA362213574.
Genomic context (GRCh38, chr5:171,876,356, plus strand): 5'-TGTCACCAGAGGCAGACACGATGTACTTGTCGTCAAAGTCTACTACATTGACGGCAGCCC[G>A]GTGGCCAACCAGGACACGGCGTAAAGTGATGTCGGTCGCAGAAGCCATGTCCCACACAGC-3'
Protein context (NP_001365903.1, residues 374-394): ITLRRVLVGH[Arg384Trp]AAVNVVDFDD

ClinVar aggregate classification (germline): Conflicting classifications of pathogenicity. Review status: criteria provided, conflicting classifications (1 of 4 stars). 4 submissions from 4 submitters: Likely pathogenic (2); Uncertain significance (1). 1 of the submissions does not count toward it. Last evaluated 2024-08-12.

Conditions:
Neurodevelopmental, jaw, eye, and digital syndrome (NEDJED). Identifiers: MedGen C5394477, MONDO:0030057, OMIM 618914.

Submissions (4):

GeneDx
Classification: Likely pathogenic. Last evaluated: 2024-08-12. Review status: criteria provided, single submitter. Criteria: GeneDx Variant Classification Process June 2021. Collection method: clinical testing. Allele origin: germline. Affected: yes.
Comment: Not observed at significant frequency in large population cohorts (gnomAD); In silico analysis supports that this missense variant has a deleterious effect on protein structure/function; This variant is associated with the following publications: (PMID: 31402090)

Clinical Genomics Laboratory, Washington University in St. Louis
Classification: Uncertain significance for Neurodevelopmental, jaw, eye, and digital syndrome. Last evaluated: 2023-09-02. Review status: criteria provided, single submitter. Criteria: ACMG Guidelines, 2015. Collection method: clinical testing. Allele origin: germline.
Comment: The FBXW11 c.1150C>T (p.Arg384Trp) variant has been reported in the medical literature in a de novo state in an individual with striking eye anomalies, digital anomalies, and psychiatric issues (Holt RJ et al., PMID: 31402090). This variant is absent from the general population (gnomAD v.2.1.1), indicating it is not a common variant. Computational predictors are uncertain/conflicting as to the impact of this variant on FBXW11 protein function. This variant has been submitted to ClinVar as likely pathogenic by one laboratory (variation ID: 917896). Due to limited information, and based on ACMG/AMP guidelines for variant interpretation (Richards S et al., PMID: 25741868), the clinical significance of this variant is uncertain at this time.

SIB Swiss Institute of Bioinformatics
Classification: Likely pathogenic for Neurodevelopmental, jaw, eye, and digital syndrome. Last evaluated: 2021-04-13. Review status: criteria provided, single submitter. Criteria: ACMG Guidelines, 2015. Collection method: curation. Allele origin: unknown.
Comment: This variant is interpreted as likely pathogenic for Neurodevelopmental, jaw, eye, and digital syndrome, autosomal dominant. The following ACMG Tag(s) were applied: Absent from controls (or at extremely low frequency if recessive) in Exome Sequencing Project, 1000 Genomes Project, or Exome Aggregation Consortium (PM2); De novo (paternity and maternity confirmed) (PS2 downgraded to moderate); Multiple lines of computational evidence support a deleterious effect on the gene or gene product (PP3); Missense variant in a gene that has a low rate of benign missense variation and in which missense variants are a common mechanism of disease (PP2).

OMIM
Classification: Pathogenic for NEURODEVELOPMENTAL, JAW, EYE, AND DIGITAL SYNDROME. Last evaluated: 2020-06-16. Review status: no assertion criteria provided. Collection method: literature only. Allele origin: germline. Not counted in ClinVar's aggregate classification.

Literature cited by the submitters: PubMed 31402090 (cited by SIB Swiss Institute of Bioinformatics and OMIM).